The following is an entry in ClinVar:

NM_001377540.1(SLMAP):c.1443C>T (p.Asp481=)

Gene: SLMAP (sarcolemma associated protein; plus strand). Cytogenetic location: 3p14.3.
Variant type: single nucleotide variant.
Coding change: c.1443C>T on transcript NM_001377540.1 (MANE Select); coding-DNA position 1443, C replaced by T.
Protein change: p.Asp481=; no amino-acid change (aspartic acid 481 retained).
Molecular consequence: synonymous variant. On other transcripts: 5 prime UTR variant (7), non-coding transcript variant (1).
Genome position (GRCh38, 1-based): chr3:57,896,874, C>T. VCF-style: chr3-57896874-C-T. GRCh37 (hg19) VCF-style: chr3-57882601-C-T.
Other names: c.1392C>T, p.Asp464= (NM_001377562.1, NM_001377921.1, NM_001304420.3 and 2 more transcripts); c.1380C>T, p.Asp460= (NM_001377922.1, NM_001377545.1); c.1341C>T, p.Asp447= (NM_001377923.1, NM_007159.5, NM_001377549.1); c.1329C>T, p.Asp443= (NM_001377924.1, NM_001377551.1, NM_001377552.1); c.1278C>T, p.Asp426= (NM_001377925.1, NM_001304421.2, NM_001377557.1 and 1 more transcripts); c.-7C>T (NM_001377926.1, NM_001377927.1, NM_001377928.1 and 4 more transcripts); c.1443C>T, p.Asp481= (NM_001377538.1, NM_001377539.1, NM_001377555.1); c.1341C>T (NM_007159.4).
Identifiers: ClinVar variation 516749 (VCV000516749.10), dbSNP rs17058639, ClinGen allele CA2467146.

ClinVar aggregate classification (germline): Benign. Review status: criteria provided, multiple submitters, no conflicts (2 of 4 stars). 4 submissions from 4 submitters: Benign (4). Last evaluated 2026-02-04.

Conditions:
Brugada syndrome. Also called: Sudden unexpected nocturnal death syndrome; Sudden unexplained nocturnal death syndrome; Sudden Unexplained Death Syndrome; Sudden Unexplained Nocturnal Death Syndrome (SUNDS). Identifiers: Orphanet 130, MedGen C1142166, MONDO:0015263.

Allele frequency attached by ClinVar (database versions not stated): ESP Exome Variant Server 0.21083; gnomAD 0.23931 and 0.24767; TOPMed 0.24580; gnomAD exomes 0.26500 and 0.29765; 1000 Genomes Project 30x 0.29294; ExAC 0.29594; 1000 Genomes Project 0.29952.
gnomAD v4.1: 422,951 of 1,602,862 alleles (26%); highest among the groups gnomAD compares: East Asian, 52%; 59,358 homozygotes.

Submissions (4):

Labcorp Genetics (formerly Invitae), Labcorp
Classification: Benign for Brugada syndrome. Last evaluated: 2026-02-04. Review status: criteria provided, single submitter. Criteria: Invitae Variant Classification Sherloc (09022015). Collection method: clinical testing. Allele origin: germline.

Women's Health and Genetics/Laboratory Corporation of America, LabCorp
Classification: Benign. Last evaluated: 2023-04-04. Review status: criteria provided, single submitter. Criteria: LabCorp Variant Classification Summary - May 2015. Collection method: clinical testing. Allele origin: germline.

GeneDx
Classification: Benign. Last evaluated: 2017-07-28. Review status: criteria provided, single submitter. Criteria: GeneDx Variant Classification (06012015). Collection method: clinical testing. Allele origin: germline. Affected: yes.
Comment: This variant is considered likely benign or benign based on one or more of the following criteria: it is a conservative change, it occurs at a poorly conserved position in the protein, it is predicted to be benign by multiple in silico algorithms, and/or has population frequency not consistent with disease.

Breakthrough Genomics
Classification: Benign. Review status: criteria provided, single submitter. Criteria: ACMG Guidelines, 2015. Collection method: not provided. Allele origin: germline. Inheritance: Unknown mechanism. Affected: yes.